The following is an entry in ClinVar:

NM_000082.4(ERCC8):c.593_594dup (p.Asp199fs)

Gene: ERCC8 (ERCC excision repair 8, CSA ubiquitin ligase complex subunit; minus strand). Cytogenetic location: 5q12.1.
Variant type: Duplication.
Coding change: c.593_594dup on transcript NM_000082.4 (MANE Select); coding-DNA positions 593 to 594, 2 bases duplicated (AT; older notation c.593_594dupAT).
Protein change: p.Asp199fs; shifts the reading frame from aspartic acid 199.
Molecular consequence: frameshift variant.
Genome position (GRCh38, 1-based): chr5:60,902,465-60,902,466, AT duplicated on the plus strand (AT on the coding strand, the reverse complement: ERCC8 is on the minus strand); duplicating any 2 consecutive bases within chr5:60,902,465-60,902,467 gives the same sequence; the c. name uses the placement nearest the transcript's 3' end. VCF-style (leftmost placement, unchanged base first): chr5-60902464-C-CAT. GRCh37 (hg19) VCF-style: chr5-60198291-C-CAT.
Other names: c.419_420dup, p.Asp141fs (NM_001007233.3); c.134_135dup, p.Asp46fs (NM_001290285.2); short protein forms D46fs, D199fs, D141fs.
Identifiers: ClinVar variation 871772 (VCV000871772.47), dbSNP rs1748929695, ClinGen allele CA1139658863.

ClinVar aggregate classification (germline): Pathogenic. Review status: criteria provided, multiple submitters, no conflicts (2 of 4 stars). 2 submissions from 2 submitters: Pathogenic (2). Last evaluated 2021-03-02.

Submissions (2):

Labcorp Genetics (formerly Invitae), Labcorp
Classification: Pathogenic. Last evaluated: 2021-03-02. Review status: criteria provided, single submitter. Criteria: Invitae Variant Classification Sherloc (09022015). Collection method: clinical testing. Allele origin: germline.
Comment: This sequence change creates a premature translational stop signal (p.Asp199Metfs*14) in the ERCC8 gene. It is expected to result in an absent or disrupted protein product. Loss-of-function variants in ERCC8 are known to be pathogenic (PMID: 29572252). This variant is not present in population databases (ExAC no frequency). This variant has been observed in individual(s) with Cockayne syndrome (PMID: 29572252). This variant is also known as c.594_595insAT. ClinVar contains an entry for this variant (Variation ID: 871772). For these reasons, this variant has been classified as Pathogenic.

CeGaT Center for Human Genetics Tuebingen
Classification: Pathogenic. Last evaluated: 2017-06-01. Review status: criteria provided, single submitter. Criteria: CeGaT Center For Human Genetics Tuebingen Variant Classification Criteria Version 2. Collection method: clinical testing. Allele origin: germline. Affected: yes. Observed: 1 variant allele.

Literature cited by the submitters: PubMed 29572252 (cited by Labcorp Genetics (formerly Invitae), Labcorp).